The following is an entry in ClinVar:

ClinVar aggregate classification (germline): Uncertain significance (1 of 4 stars; one submission).

Conditions:
Cardiovascular phenotype. Identifiers: MedGen CN230736.

gnomAD v4.1: 1 of 1,612,394 alleles (0.000062%); highest among the groups gnomAD compares: Non-Finnish European, 0.000085%; no homozygotes.

Submission:

Ambry Genetics
Classification: Uncertain significance for Cardiovascular phenotype. Last evaluated: 2025-10-24. Review status: criteria provided, single submitter. Criteria: Ambry Variant Classification Scheme 2023. Collection method: clinical testing. Allele origin: germline.
Comment: The c.4170-2A>G intronic variant results from an A to G substitution two nucleotides before coding exon 29 in the MYH7 gene. This nucleotide position is highly conserved in available vertebrate species. In silico splice site analysis predicts that this alteration will weaken the native splice acceptor site and will result in the creation or strengthening of a novel splice acceptor site. Alterations that disrupt the canonical splice site are expected to cause aberrant splicing, resulting in an abnormal protein or a transcript that is subject to nonsense-mediated mRNA decay. However, loss of function has not been established as a mechanism of disease. Based on the available evidence, the clinical significance of this alteration remains unclear.

NM_000257.4(MYH7):c.4170-2A>G

Gene: MYH7 (myosin heavy chain 7; minus strand). Cytogenetic location: 14q11.2.
Variant type: single nucleotide variant.
Coding change: c.4170-2A>G on transcript NM_000257.4 (MANE Select); the canonical splice acceptor site of the intron before coding-DNA position 4170, A replaced by G.
Molecular consequence: splice acceptor variant.
Genome position (GRCh38, 1-based): chr14:23,417,688, T>C on the plus strand (A>G on the coding strand, the complement: MYH7 is on the minus strand). VCF-style: chr14-23417688-T-C. GRCh37 (hg19) VCF-style: chr14-23886897-T-C.
Other names: c.4170-2A>G (NM_001407004.1).
Identifiers: ClinVar variation 4614644 (VCV004614644.1).
Genomic context (GRCh38, chr14:23,417,688, plus strand): 5'-TGGCATTAACAGCCTCCACGGCCTCCTCAGCTTCCTGCAGCCGCTGGGCCAGCTTCTTCC[T>C]GCCCAGGGGAGGGTGGCAGAGGGTGGGGAGGATGGAGGGTGTGGATGGGGACAAGAGGAA-3'